The following is an entry in ClinVar:

NM_001388308.1(KIF12):c.1623_1624insCC (p.Arg542fs)

Gene: KIF12 (kinesin family member 12; minus strand). Cytogenetic location: 9q32.
Variant type: Insertion.
Coding change: c.1623_1624insCC on transcript NM_001388308.1 (MANE Select); coding-DNA positions 1623 to 1624, CC inserted.
Protein change: p.Arg542fs; shifts the reading frame from arginine 542.
Molecular consequence: frameshift variant.
Genome position: GRCh38 VCF-style: chr9-114092615-T-TGG. GRCh37 (hg19) VCF-style: chr9-116854895-T-TGG.
Other names: c.1209_1210insCC, p.Arg404fs (NM_138424.2); short protein forms R404fs, R542fs.
Identifiers: ClinVar variation 4292894 (VCV004292894.1).
Genomic context (GRCh38, chr9:114,092,615, plus strand): 5'-ACTTGGCAGAGCCAGGGCTGCATGGGGGTGCCCAGGGTGGGGGCCGGGCAGATGGGGGCC[T>TGG]GCCACCTGAGGCCTCAGGGTCCAACACCTGTAGGAAAGACCAGAGTCCACTCTGGGTGAC-3'

ClinVar aggregate classification (germline): Likely pathogenic (1 of 4 stars; one submission).

Conditions:
Cholestasis, progressive familial intrahepatic, 8. Identifiers: MedGen C5562045, MONDO:0030505, OMIM 619662.

Submission:

3billion
Classification: Likely pathogenic for Cholestasis, progressive familial intrahepatic, 8. Last evaluated: 2024-11-02. Review status: criteria provided, single submitter. Criteria: ACMG Guidelines, 2015. Collection method: clinical testing. Allele origin: germline. Affected: yes.
Comment: The variant is not observed in the gnomAD v4.1.0 dataset. Predicted Consequence/Location: Frameshift: predicted to result in a loss or disruption of normal protein function through nonsense-mediated decay (NMD) or protein truncation. Multiple pathogenic variants are reported downstream of the variant. Therefore, this variant is classified as Likely pathogenic according to the recommendation of ACMG/AMP guideline.